The following is an entry in ClinVar:

ClinVar aggregate classification (germline): Uncertain significance (1 of 4 stars; one submission).

Allele frequency attached by ClinVar (database versions not stated): TOPMed below 0.00001.
gnomAD v4.1: 3 of 1,612,980 alleles (0.00019%); highest among the groups gnomAD compares: East Asian, 0.0022%; no homozygotes.

Submission:

Labcorp Genetics (formerly Invitae), Labcorp
Classification: Uncertain significance. Last evaluated: 2024-10-26. Review status: criteria provided, single submitter. Criteria: Invitae Variant Classification Sherloc (09022015). Collection method: clinical testing. Allele origin: germline.
Comment: This sequence change replaces arginine, which is basic and polar, with histidine, which is basic and polar, at codon 390 of the DHX37 protein (p.Arg390His). This variant is present in population databases (no rsID available, gnomAD 0.006%). This missense change has been observed in individual(s) with disorder of sex development (PMID: 34293745). ClinVar contains an entry for this variant (Variation ID: 1994432). Invitae Evidence Modeling of protein sequence and biophysical properties (such as structural, functional, and spatial information, amino acid conservation, physicochemical variation, residue mobility, and thermodynamic stability) indicates that this missense variant is expected to disrupt DHX37 protein function with a positive predictive value of 80%. In summary, the available evidence is currently insufficient to determine the role of this variant in disease. Therefore, it has been classified as a Variant of Uncertain Significance.

Literature cited by the submitters: PubMed 34293745.

NM_032656.4(DHX37):c.1169G>A (p.Arg390His)

Gene: DHX37 (DEAH-box helicase 37; minus strand). Cytogenetic location: 12q24.31.
Variant type: single nucleotide variant.
Coding change: c.1169G>A on transcript NM_032656.4 (MANE Select); coding-DNA position 1169, G replaced by A.
Protein change: p.Arg390His; replaces arginine 390 with histidine.
Molecular consequence: missense variant.
Genome position (GRCh38, 1-based): chr12:124,971,324, C>T on the plus strand (G>A on the coding strand, the complement: DHX37 is on the minus strand). VCF-style: chr12-124971324-C-T. GRCh37 (hg19) VCF-style: chr12-125455870-C-T.
Other names: short protein forms R390H.
Identifiers: ClinVar variation 1994432 (VCV001994432.4), dbSNP rs1318354563, ClinGen allele CA387226387.